The following is an entry in ClinVar:

NM_022370.4(ROBO3):c.2704G>A (p.Gly902Arg)

Gene: ROBO3 (roundabout guidance receptor 3; plus strand). Cytogenetic location: 11q24.2.
Variant type: single nucleotide variant.
Coding change: c.2704G>A on transcript NM_022370.4 (MANE Select); coding-DNA position 2704, G replaced by A.
Protein change: p.Gly902Arg; replaces glycine 902 with arginine.
Molecular consequence: missense variant. On other transcripts: 5 prime UTR variant (1), non-coding transcript variant (1).
Genome position (GRCh38, 1-based): chr11:124,876,385, G>A. VCF-style: chr11-124876385-G-A. GRCh37 (hg19) VCF-style: chr11-124746281-G-A.
Other names: c.-150G>A (NM_001370356.1); short protein forms G902R.
Identifiers: ClinVar variation 2662222 (VCV002662222.1), dbSNP rs1039457878, ClinGen allele CA383149376.
Genomic context (GRCh38, chr11:124,876,385, plus strand): 5'-GTGCGGCTGGCGAGGGTGCTGCGGGAGCCCGCCTTCCTCGCGGGCAGCGGCGCAGCCTGC[G>A]GGGCGCTGCTTCTCGGGCTCTGCGCCGCCCTCTACTGGCGCCGGAAACAGCGCAAAGAGC-3'
Protein context (NP_071765.2, residues 892-912): AFLAGSGAAC[Gly902Arg]ALLLGLCAAL

ClinVar aggregate classification (germline): Uncertain significance (1 of 4 stars; one submission).

gnomAD v4.1: 8 of 1,447,846 alleles (0.00055%); highest among the groups gnomAD compares: Non-Finnish European, 0.00072%; no homozygotes.

Submission:

GeneDx
Classification: Uncertain significance. Last evaluated: 2023-05-15. Review status: criteria provided, single submitter. Criteria: GeneDx Variant Classification Process June 2021. Collection method: clinical testing. Allele origin: germline. Affected: yes.
Comment: Not observed at significant frequency in large population cohorts (gnomAD); In silico analysis supports that this missense variant does not alter protein structure/function; Has not been previously published as pathogenic or benign to our knowledge